The following is an entry in ClinVar:

NM_001145809.2(MYH14):c.4564G>A (p.Val1522Ile)

Gene: MYH14 (myosin heavy chain 14; plus strand). Cytogenetic location: 19q13.33.
Variant type: single nucleotide variant.
Coding change: c.4564G>A on transcript NM_001145809.2 (MANE Select); coding-DNA position 4564, G replaced by A.
Protein change: p.Val1522Ile; replaces valine 1522 with isoleucine.
Molecular consequence: missense variant.
Genome position (GRCh38, 1-based): chr19:50,286,506, G>A. VCF-style: chr19-50286506-G-A. GRCh37 (hg19) VCF-style: chr19-50789763-G-A.
Other names: c.4564G>A (NM_001145809.1); c.4465G>A, p.Val1489Ile (NM_001077186.2); c.4441G>A, p.Val1481Ile (NM_024729.4); short protein forms V1481I, V1489I, V1522I.
Identifiers: ClinVar variation 1198761 (VCV001198761.12), dbSNP rs375563286, ClinGen allele CA9593548.

ClinVar aggregate classification (germline): Likely benign. Review status: criteria provided, multiple submitters, no conflicts (2 of 4 stars). 4 submissions from 4 submitters: Likely benign (4). Last evaluated 2026-09-23.

Conditions:
MYH14-related disorder. Also called: MYH14-related condition.

Allele frequency attached by ClinVar (database versions not stated): ExAC 0.00010; ESP Exome Variant Server 0.00016; gnomAD 0.00016 and 0.00017; TOPMed 0.00026; 1000 Genomes Project 0.00040; 1000 Genomes Project 30x 0.00062.
gnomAD v4.1: 51 of 1,613,374 alleles (0.0032%); highest among the groups gnomAD compares: African/African-American, 0.047%; no homozygotes.

Submissions (4):

PreventionGenetics, part of Exact Sciences
Classification: Likely benign for MYH14-related condition. Last evaluated: 2026-09-23. Review status: criteria provided, single submitter. Criteria: ACMG Guidelines, 2015. Collection method: clinical testing. Allele origin: germline.
Comment: This variant is classified as likely benign based on ACMG/AMP sequence variant interpretation guidelines (Richards et al. 2015 PMID: 25741868, with internal and published modifications).

Women's Health and Genetics/Laboratory Corporation of America, LabCorp
Classification: Likely benign. Last evaluated: 2025-09-24. Review status: criteria provided, single submitter. Criteria: LabCorp Variant Classification Summary - May 2015. Collection method: clinical testing. Allele origin: germline.
Comment: Variant summary: MYH14 c.4441G>A (p.Val1481Ile) results in a conservative amino acid change in the encoded protein sequence. Algorithms developed to predict the effect of missense changes on protein structure and function all suggest that this variant is likely to be tolerated. The variant allele was found at a frequency of 7.3e-05 in 246392 control chromosomes. The observed variant frequency exceeds the estimated maximal expected allele frequency for disease-causing variants in MYH14. To our knowledge, no occurrence of c.4441G>A in individuals affected with MYH14-related conditions and no experimental evidence demonstrating its impact on protein function have been reported. ClinVar contains an entry for this variant (Variation ID: 1198761). Based on the evidence outlined above, the variant was classified as likely benign.

Labcorp Genetics (formerly Invitae), Labcorp
Classification: Likely benign. Last evaluated: 2025-06-12. Review status: criteria provided, single submitter. Criteria: Invitae Variant Classification Sherloc (09022015). Collection method: clinical testing. Allele origin: germline.

GeneDx
Classification: Likely benign. Last evaluated: 2020-12-09. Review status: criteria provided, single submitter. Criteria: GeneDx Variant Classification Process June 2021. Collection method: clinical testing. Allele origin: germline. Affected: yes.
Comment: In silico analysis, which includes protein predictors and evolutionary conservation, supports that this variant does not alter protein structure/function; Has not been previously published as pathogenic or benign to our knowledge